The following is an entry in ClinVar:

NM_001374828.1(ARID1B):c.4478C>T (p.Pro1493Leu)

Gene: ARID1B (AT-rich interaction domain 1B; plus strand). Cytogenetic location: 6q25.3.
Variant type: single nucleotide variant.
Coding change: c.4478C>T on transcript NM_001374828.1 (MANE Select); coding-DNA position 4478, C replaced by T.
Protein change: p.Pro1493Leu; replaces proline 1493 with leucine.
Molecular consequence: missense variant.
Genome position (GRCh38, 1-based): chr6:157,198,906, C>T. VCF-style: chr6-157198906-C-T. GRCh37 (hg19) VCF-style: chr6-157520040-C-T.
Other names: c.1979C>T, p.Pro660Leu (NM_001363725.2); c.4358C>T, p.Pro1453Leu (NM_001371656.1, NM_001374820.1); c.4319C>T, p.Pro1440Leu (NM_017519.3); c.4109C>T (NM_020732.3); short protein forms P1440L, P1453L, P1493L, P660L.
Identifiers: ClinVar variation 1175420 (VCV001175420.7), dbSNP rs367809905, ClinGen allele CA4067631.

ClinVar aggregate classification (germline): Conflicting classifications of pathogenicity. Review status: criteria provided, conflicting classifications (1 of 4 stars). 2 submissions from 2 submitters: Uncertain significance (1); Likely benign (1). Last evaluated 2025-06-12.

Allele frequency attached by ClinVar (database versions not stated): ExAC 0.00001; gnomAD exomes 0.00001; gnomAD 0.00005 and 0.00006; TOPMed 0.00006; ESP Exome Variant Server 0.00008.
gnomAD v4.1: 23 of 1,598,960 alleles (0.0014%); highest among the groups gnomAD compares: African/African-American, 0.012%; no homozygotes.

Submissions (2):

Labcorp Genetics (formerly Invitae), Labcorp
Classification: Uncertain significance. Last evaluated: 2025-06-12. Review status: criteria provided, single submitter. Criteria: Invitae Variant Classification Sherloc (09022015). Collection method: clinical testing. Allele origin: germline.
Comment: This sequence change replaces proline, which is neutral and non-polar, with leucine, which is neutral and non-polar, at codon 1370 of the ARID1B protein (p.Pro1370Leu). The frequency data for this variant in the population databases is considered unreliable, as metrics indicate poor data quality at this position in the gnomAD database. This variant has not been reported in the literature in individuals affected with ARID1B-related conditions. ClinVar contains an entry for this variant (Variation ID: 1175420). An algorithm developed to predict the effect of missense changes on protein structure and function (PolyPhen-2) suggests that this variant is likely to be disruptive. In summary, the available evidence is currently insufficient to determine the role of this variant in disease. Therefore, it has been classified as a Variant of Uncertain Significance.

GeneDx
Classification: Likely benign. Last evaluated: 2020-03-04. Review status: criteria provided, single submitter. Criteria: GeneDx Variant Classification Process June 2021. Collection method: clinical testing. Allele origin: germline. Affected: yes.
Comment: In silico analysis supports that this missense variant has a deleterious effect on protein structure/function; Has not been previously published as pathogenic or benign to our knowledge